The following is an entry in ClinVar:

NM_000038.6(APC):c.102T>C (p.Leu34=)

Gene: APC (APC regulator of Wnt signaling pathway; plus strand). Cytogenetic location: 5q22.2.
Variant type: single nucleotide variant.
Coding change: c.102T>C on transcript NM_000038.6 (MANE Select); coding-DNA position 102, T replaced by C.
Protein change: p.Leu34=; no amino-acid change (leucine 34 retained).
Molecular consequence: synonymous variant. On other transcripts: 5 prime UTR variant (1), intron variant (8).
Genome position (GRCh38, 1-based): chr5:112,754,992, T>C. VCF-style: chr5-112754992-T-C. GRCh37 (hg19) VCF-style: chr5-112090689-T-C.
Other names: c.102T>C, p.Leu34= (NM_001127510.3, NM_001354895.2, NM_001354896.2 and 2 more transcripts); c.-934T>C (NM_001354906.2); c.166-11334T>C (NM_001354897.2, NM_001354902.2, NM_001127511.3); c.61-11334T>C (NM_001354898.2, NM_001354904.2); c.-42-11334T>C (NM_001354900.2, NM_001354901.2, NM_001354905.2).
Identifiers: ClinVar variation 763232 (VCV000763232.16), dbSNP rs1581122045, ClinGen allele CA445752571.
Genomic context (GRCh38, chr5:112,754,992, plus strand): 5'-GGCACTGAAGATGGAGAACTCAAATCTTCGACAAGAGCTAGAAGATAATTCCAATCATCT[T>C]ACAAAACTGGAAACTGAGGCATCTAATATGAAGGTATCAAGACTGTGACTTTTAATTGTA-3'
Protein context (NP_000029.2, residues 24-44): RQELEDNSNH[Leu34=]TKLETEASNM

ClinVar aggregate classification (germline): Benign/Likely benign. Review status: criteria provided, multiple submitters, no conflicts (2 of 4 stars). 5 submissions from 5 submitters: Benign (1); Likely benign (4). Last evaluated 2025-12-21.

Conditions:
Classic or attenuated familial adenomatous polyposis. Identifiers: MedGen CN372698, MONDO:0021057.
Familial adenomatous polyposis 1 (FAP1). Also called: FAMILIAL ADENOMATOUS POLYPOSIS 1, ATTENUATED; POLYPOSIS, ADENOMATOUS INTESTINAL. Identifiers: MedGen C2713442, MONDO:0021056, OMIM 175100. Disease mechanism: loss of function.
Hereditary cancer-predisposing syndrome. Also called: Tumor predisposition; Neoplastic Syndromes, Hereditary; Hereditary Cancer Syndrome; Hereditary neoplastic syndrome. Identifiers: Orphanet 140162, MedGen C0027672, MeSH D009386, MONDO:0015356.

Allele frequency attached by ClinVar (database versions not stated): gnomAD exomes below 0.00001; TOPMed below 0.00001.

Submissions (5):

Labcorp Genetics (formerly Invitae), Labcorp
Classification: Likely benign for Familial adenomatous polyposis 1. Last evaluated: 2025-12-21. Review status: criteria provided, single submitter. Criteria: Invitae Variant Classification Sherloc (09022015). Collection method: clinical testing. Allele origin: germline.

All of Us Research Program, National Institutes of Health
Classification: Likely benign for Classic or attenuated familial adenomatous polyposis. Last evaluated: 2024-03-24. Review status: criteria provided, single submitter. Criteria: ACMG Guidelines, 2015. Collection method: clinical testing. Allele origin: germline. Inheritance: Autosomal dominant inheritance. Observed: 2 variant alleles, 2 heterozygotes.
Comment: This study involves interpretation of variants in research participants for the purpose of population health screening. Participant phenotype was not available at the time of variant classification. Additional details can be found in publication PMID: 35346344, PMCID: PMC8962531

Myriad Genetics, Inc.
Classification: Benign for Familial adenomatous polyposis 1. Last evaluated: 2024-02-22. Review status: criteria provided, single submitter. Criteria: Myriad Autosomal Dominant, Autosomal Recessive and X-Linked Classification Criteria (2023). Collection method: clinical testing. Allele origin: unknown.
Comment: This variant is considered benign. This variant is a silent/synonymous amino acid change and it is not expected to impact splicing.

Color Diagnostics, LLC DBA Color Health
Classification: Likely benign for Hereditary cancer-predisposing syndrome. Last evaluated: 2022-11-07. Review status: criteria provided, single submitter. Criteria: ACMG Guidelines, 2015. Collection method: clinical testing. Allele origin: germline.

Ambry Genetics
Classification: Likely benign for Hereditary cancer-predisposing syndrome. Last evaluated: 2020-06-17. Review status: criteria provided, single submitter. Criteria: Ambry Variant Classification Scheme 2023. Collection method: clinical testing. Allele origin: germline.